The following is an entry in ClinVar:

NM_007180.3(TREH):c.723C>G (p.Thr241=)

Gene: TREH (trehalase; minus strand). Cytogenetic location: 11q23.3.
Variant type: single nucleotide variant.
Coding change: c.723C>G on transcript NM_007180.3 (MANE Select); coding-DNA position 723, C replaced by G.
Protein change: p.Thr241=; no amino-acid change (threonine 241 retained).
Molecular consequence: synonymous variant.
Genome position (GRCh38, 1-based): chr11:118,661,404, G>C on the plus strand (C>G on the coding strand, the complement: TREH is on the minus strand). VCF-style: chr11-118661404-G-C. GRCh37 (hg19) VCF-style: chr11-118532113-G-C.
Other names: c.630C>G, p.Thr210= (NM_001301065.2).
Identifiers: ClinVar variation 3050990 (VCV003050990.2), dbSNP rs372238200, ClinGen allele CA6308030.

ClinVar aggregate classification (germline): Likely benign (0 of 4 stars; one submission).

Conditions:
TREH-related disorder. Also called: TREH-related condition.

Allele frequency attached by ClinVar (database versions not stated): 1000 Genomes Project 30x 0.00016; 1000 Genomes Project 0.00020; ESP Exome Variant Server 0.00031.
gnomAD v4.1: 69 of 1,613,924 alleles (0.0043%); highest among the groups gnomAD compares: African/African-American, 0.085%; no homozygotes.

Submission:

PreventionGenetics, part of Exact Sciences
Classification: Likely benign for TREH-related condition. Last evaluated: 2020-03-20. Review status: no assertion criteria provided. Collection method: clinical testing. Allele origin: germline.
Comment: This variant is classified as likely benign based on ACMG/AMP sequence variant interpretation guidelines (Richards et al. 2015 PMID: 25741868, with internal and published modifications).